The following is an entry in ClinVar:

ClinVar aggregate classification (germline): Pathogenic (1 of 4 stars; one submission).

Allele frequency attached by ClinVar (database versions not stated): gnomAD 0.00001; gnomAD exomes 0.00001.

Submission:

GeneDx
Classification: Pathogenic. Last evaluated: 2022-11-08. Review status: criteria provided, single submitter. Criteria: GeneDx Variant Classification Process June 2021. Collection method: clinical testing. Allele origin: germline. Affected: yes.
Comment: Nonsense variant predicted to result in protein truncation or nonsense mediated decay in a gene for which loss of function is a known mechanism of disease; Not observed at significant frequency in large population cohorts (gnomAD); This variant is associated with the following publications: (PMID: 34251556, 31743419)

NM_020944.3(GBA2):c.1195C>T (p.Arg399Ter)

Gene: GBA2 (glucosylceramidase beta 2; minus strand). Cytogenetic location: 9p13.3.
Variant type: single nucleotide variant.
Coding change: c.1195C>T on transcript NM_020944.3 (MANE Select); coding-DNA position 1195, C replaced by T.
Protein change: p.Arg399Ter; replaces arginine 399 with a stop codon.
Molecular consequence: nonsense.
Genome position (GRCh38, 1-based): chr9:35,740,297, G>A on the plus strand (C>T on the coding strand, the complement: GBA2 is on the minus strand). VCF-style: chr9-35740297-G-A. GRCh37 (hg19) VCF-style: chr9-35740294-G-A.
Other names: c.1195C>T, p.Arg399Ter (NM_001330660.2); short protein forms R399*.
Identifiers: ClinVar variation 2501909 (VCV002501909.1), dbSNP rs1297193125, ClinGen allele CA373414920.